The following is an entry in ClinVar:

ClinVar aggregate classification (germline): Uncertain significance. Review status: criteria provided, multiple submitters, no conflicts (2 of 4 stars). 2 submissions from 2 submitters: Uncertain significance (2). Last evaluated 2026-01-17.

Allele frequency attached by ClinVar (database versions not stated): gnomAD 0.00001; TOPMed 0.00002; ExAC 0.00003.
gnomAD v4.1: 15 of 1,612,274 alleles (0.00093%); highest among the groups gnomAD compares: Admixed American, 0.025%; no homozygotes.

Submissions (2):

Labcorp Genetics (formerly Invitae), Labcorp
Classification: Uncertain significance. Last evaluated: 2026-01-17. Review status: criteria provided, single submitter. Criteria: Invitae Variant Classification Sherloc (09022015). Collection method: clinical testing. Allele origin: germline.
Comment: This sequence change replaces phenylalanine, which is neutral and non-polar, with leucine, which is neutral and non-polar, at codon 191 of the SLC25A32 protein (p.Phe191Leu). This variant is present in population databases (rs779744059, gnomAD 0.03%). This variant has not been reported in the literature in individuals affected with SLC25A32-related conditions. ClinVar contains an entry for this variant (Variation ID: 2415281). Invitae Evidence Modeling of protein sequence and biophysical properties (such as structural, functional, and spatial information, amino acid conservation, physicochemical variation, residue mobility, and thermodynamic stability) indicates that this missense variant is not expected to disrupt SLC25A32 protein function with a negative predictive value of 80%. In summary, the available evidence is currently insufficient to determine the role of this variant in disease. Therefore, it has been classified as a Variant of Uncertain Significance.

Ambry Genetics
Classification: Uncertain significance. Last evaluated: 2024-08-04. Review status: criteria provided, single submitter. Criteria: Ambry Variant Classification Scheme 2023. Collection method: clinical testing. Allele origin: germline.

NM_030780.5(SLC25A32):c.573T>G (p.Phe191Leu)

Gene: SLC25A32 (solute carrier family 25 member 32; minus strand). Cytogenetic location: 8q22.3.
Variant type: single nucleotide variant.
Coding change: c.573T>G on transcript NM_030780.5 (MANE Select); coding-DNA position 573, T replaced by G.
Protein change: p.Phe191Leu; replaces phenylalanine 191 with leucine.
Molecular consequence: missense variant. On other transcripts: non-coding transcript variant (2).
Genome position (GRCh38, 1-based): chr8:103,402,034, A>C on the plus strand (T>G on the coding strand, the complement: SLC25A32 is on the minus strand). VCF-style: chr8-103402034-A-C. GRCh37 (hg19) VCF-style: chr8-104414262-A-C.
Other names: c.573T>G (NM_030780.3); short protein forms F191L.
Identifiers: ClinVar variation 2415281 (VCV002415281.7), dbSNP rs779744059, ClinGen allele CA4835428.